The following is an entry in ClinVar:

NM_024876.4(COQ8B):c.1377G>A (p.Ser459=)

Gene: COQ8B (coenzyme Q8B; minus strand). Cytogenetic location: 19q13.2.
Variant type: single nucleotide variant.
Coding change: c.1377G>A on transcript NM_024876.4 (MANE Select); coding-DNA position 1377, G replaced by A.
Protein change: p.Ser459=; no amino-acid change (serine 459 retained).
Molecular consequence: synonymous variant.
Genome position (GRCh38, 1-based): chr19:40,692,293, C>T on the plus strand (G>A on the coding strand, the complement: COQ8B is on the minus strand). VCF-style: chr19-40692293-C-T. GRCh37 (hg19) VCF-style: chr19-41198198-C-T.
Other names: p.Ser459=; c.1254G>A, p.Ser418= (NM_001142555.3).
Identifiers: ClinVar variation 2179679 (VCV002179679.12), dbSNP rs367757539, ClinGen allele CA9450021.

ClinVar aggregate classification (germline): Likely benign. Review status: criteria provided, multiple submitters, no conflicts (2 of 4 stars). 3 submissions from 3 submitters: Likely benign (3). Last evaluated 2025-12-16.

Allele frequency attached by ClinVar (database versions not stated): ExAC 0.00004; gnomAD 0.00005; ESP Exome Variant Server 0.00008; 1000 Genomes Project 30x 0.00016; 1000 Genomes Project 0.00020.
gnomAD v4.1: 35 of 1,613,676 alleles (0.0022%); highest among the groups gnomAD compares: African/African-American, 0.012%; no homozygotes.

Submissions (3):

Labcorp Genetics (formerly Invitae), Labcorp
Classification: Likely benign. Last evaluated: 2025-12-16. Review status: criteria provided, single submitter. Criteria: Invitae Variant Classification Sherloc (09022015). Collection method: clinical testing. Allele origin: germline.

CeGaT Center for Human Genetics Tuebingen
Classification: Likely benign. Last evaluated: 2025-04-01. Review status: criteria provided, single submitter. Criteria: CeGaT Center For Human Genetics Tuebingen Variant Classification Criteria Version 2. Collection method: clinical testing. Allele origin: germline. Affected: yes. Observed: 1 variant allele.
Comment: COQ8B: BP4, BP7

Mayo Clinic Laboratories, Mayo Clinic
Classification: Likely benign. Last evaluated: 2025-02-28. Review status: criteria provided, single submitter. Criteria: ACMG Guidelines, 2015. Collection method: clinical testing. Allele origin: germline. Observed: 1 variant allele.
Comment: BP4, BP7, PM2_supporting